The following is an entry in ClinVar:

ClinVar aggregate classification (germline): Conflicting classifications of pathogenicity. Review status: criteria provided, conflicting classifications (1 of 4 stars). 8 submissions from 8 submitters: Uncertain significance (7); Likely benign (1). Last evaluated 2026-05-26.

Conditions:
PEX13-related disorder. Also called: PEX13-related condition; PEX13-related disorders.
Inborn genetic diseases. Identifiers: MedGen C0950123, MeSH D030342.
Peroxisome biogenesis disorder 11A (Zellweger). Also called: Peroxisome biogenesis disorder 11A. Identifiers: Orphanet 912, MedGen C3554000, MONDO:0013949, OMIM 614883.
Peroxisome biogenesis disorder 11B (PBD11B). Identifiers: Orphanet 44, MedGen C3554001, MONDO:0013950, OMIM 614885.

Allele frequency attached by ClinVar (database versions not stated): TOPMed 0.00049.
gnomAD v4.1: 1,296 of 1,550,418 alleles (0.084%); highest among the groups gnomAD compares: Non-Finnish European, 0.1%; no homozygotes.

Submissions (8):

PreventionGenetics, part of Exact Sciences
Classification: Uncertain significance for PEX13-related condition. Last evaluated: 2026-05-26. Review status: criteria provided, single submitter. Criteria: ACMG Guidelines, 2015. Collection method: clinical testing. Allele origin: germline.
Comment: The PEX13 c.89T>C variant is predicted to result in the amino acid substitution p.Phe30Ser. To our knowledge, this variant has not been reported in the literature. This variant is reported in 97 alleles out of 182358 total alleles in gnomAD. Although we suspect that this variant may be benign, its clinical significance is currently classified as uncertain due to the absence of conclusive functional and genetic evidence.

Ambry Genetics
Classification: Uncertain significance for Inborn genetic diseases. Last evaluated: 2026-04-27. Review status: criteria provided, single submitter. Criteria: Ambry Variant Classification Scheme 2023. Collection method: clinical testing. Allele origin: germline.
Comment: The c.89T>C (p.F30S) alteration is located in exon 1 (coding exon 1) of the PEX13 gene. This alteration results from a T to C substitution at nucleotide position 89, causing the phenylalanine (F) at amino acid position 30 to be replaced by a serine (S). Based on data from gnomAD, the C allele has an overall frequency of 0.053% (97/182358) total alleles studied. The highest observed frequency was 0.148% (8/5392) of Other alleles. This amino acid position is well conserved in available vertebrate species. The in silico prediction for this alteration is inconclusive. Based on insufficient or conflicting evidence, the clinical significance of this alteration remains unclear.

GeneDx
Classification: Uncertain significance. Last evaluated: 2024-12-27. Review status: criteria provided, single submitter. Criteria: GeneDx Variant Classification Process June 2021. Collection method: clinical testing. Allele origin: germline.
Comment: In silico analysis supports that this missense variant has a deleterious effect on protein structure/function; Has not been previously published as pathogenic or benign to our knowledge

Blueprint Genetics
Classification: Likely benign. Last evaluated: 2024-10-24. Review status: criteria provided, single submitter. Criteria: ACMG Guidelines, 2015. Collection method: clinical testing. Allele origin: germline.

Labcorp Genetics (formerly Invitae), Labcorp
Classification: Uncertain significance for Peroxisome biogenesis disorder 11A (Zellweger). Last evaluated: 2022-10-17. Review status: criteria provided, single submitter. Criteria: Invitae Variant Classification Sherloc (09022015). Collection method: clinical testing. Allele origin: germline.
Comment: This sequence change replaces phenylalanine, which is neutral and non-polar, with serine, which is neutral and polar, at codon 30 of the PEX13 protein (p.Phe30Ser). This variant is present in population databases (rs771610641, gnomAD 0.1%), and has an allele count higher than expected for a pathogenic variant. This variant has not been reported in the literature in individuals affected with PEX13-related conditions. ClinVar contains an entry for this variant (Variation ID: 500639). Algorithms developed to predict the effect of missense changes on protein structure and function (SIFT, PolyPhen-2, Align-GVGD) all suggest that this variant is likely to be tolerated. In summary, the available evidence is currently insufficient to determine the role of this variant in disease. Therefore, it has been classified as a Variant of Uncertain Significance.

Fulgent Genetics
Classification: Uncertain significance for Peroxisome biogenesis disorder 11A (Zellweger); Peroxisome biogenesis disorder 11B. Last evaluated: 2018-10-31. Review status: criteria provided, single submitter. Criteria: ACMG Guidelines, 2015. Collection method: clinical testing. Allele origin: unknown.

Illumina Laboratory Services, Illumina
Classification: Uncertain significance for Peroxisome biogenesis disorder 11A (Zellweger). Last evaluated: 2018-01-13. Review status: criteria provided, single submitter. Criteria: ICSL Variant Classification Criteria 13 December 2019. Collection method: clinical testing. Allele origin: germline.

Eurofins Ntd Llc (ga)
Classification: Uncertain significance. Last evaluated: 2017-08-15. Review status: criteria provided, single submitter. Criteria: EGL Classification Definitions 2015. Collection method: clinical testing. Allele origin: germline. Observed: 4 variant alleles, 4 heterozygotes.

NM_002618.4(PEX13):c.89T>C (p.Phe30Ser)

Genes: PEX13 (peroxisomal biogenesis factor 13; plus strand), PUS10 (pseudouridine synthase 10; minus strand). Cytogenetic location: 2p15.
Variant type: single nucleotide variant.
Coding change: c.89T>C on transcript NM_002618.4 (MANE Select); coding-DNA position 89, T replaced by C.
Protein change: p.Phe30Ser; replaces phenylalanine 30 with serine.
Molecular consequence: missense variant. On other transcripts: intron variant (2).
Genome position (GRCh38, 1-based): chr2:61,017,848, T>C. VCF-style: chr2-61017848-T-C. GRCh37 (hg19) VCF-style: chr2-61244983-T-C.
Other names: c.-16+160A>G (NM_144709.4); c.-623+160A>G (NM_001322127.1); short protein forms F30S.
Identifiers: ClinVar variation 500639 (VCV000500639.21), dbSNP rs771610641, ClinGen allele CA1673194.